The following is an entry in ClinVar:

NM_001365951.3(KIF1B):c.4365A>G (p.Pro1455=)

Gene: KIF1B (kinesin family member 1B; plus strand). Cytogenetic location: 1p36.22.
Variant type: single nucleotide variant.
Coding change: c.4365A>G on transcript NM_001365951.3 (MANE Select); coding-DNA position 4365, A replaced by G.
Protein change: p.Pro1455=; no amino-acid change (proline 1455 retained).
Molecular consequence: synonymous variant.
Genome position (GRCh38, 1-based): chr1:10,363,343, A>G. VCF-style: chr1-10363343-A-G. GRCh37 (hg19) VCF-style: chr1-10423401-A-G.
Other names: c.4365A>G, p.Pro1455= (NM_001365952.1); c.4227A>G, p.Pro1409= (NM_015074.3).
Identifiers: ClinVar variation 1738864 (VCV001738864.26), dbSNP rs368327839, ClinGen allele CA582053.

ClinVar aggregate classification (germline): Conflicting classifications of pathogenicity. Review status: criteria provided, conflicting classifications (1 of 4 stars). 2 submissions from 2 submitters: Uncertain significance (1); Likely benign (1). Last evaluated 2024-03-20.

Allele frequency attached by ClinVar (database versions not stated): gnomAD 0.00001; TOPMed 0.00001; ExAC 0.00002; gnomAD exomes 0.00002; ESP Exome Variant Server 0.00008.
gnomAD v4.1: 31 of 1,610,568 alleles (0.0019%); highest among the groups gnomAD compares: East Asian, 0.0045%; no homozygotes.

Submissions (2):

Ambry Genetics
Classification: Uncertain significance. Last evaluated: 2024-03-20. Review status: criteria provided, single submitter. Criteria: Ambry Variant Classification Scheme 2023. Collection method: clinical testing. Allele origin: germline.
Comment: The c.4227A>G variant (also known as p.P1409P), located in coding exon 38 of the KIF1B gene, results from an A to G substitution at nucleotide position 4227. This nucleotide substitution does not change the proline at codon 1409. This nucleotide position is well conserved in available vertebrate species. In silico splice site analysis predicts that this alteration may result in the creation or strengthening of a novel splice donor site. The evidence for this gene-disease relationship is limited; therefore, the clinical significance of this alteration is unclear.

CeGaT Center for Human Genetics Tuebingen
Classification: Likely benign. Last evaluated: 2023-07-01. Review status: criteria provided, single submitter. Criteria: CeGaT Center For Human Genetics Tuebingen Variant Classification Criteria Version 2. Collection method: clinical testing. Allele origin: germline. Affected: yes. Observed: 1 variant allele.
Comment: KIF1B: BP4